The following is an entry in ClinVar:

ClinVar aggregate classification (germline): Likely pathogenic (1 of 4 stars; one submission).

Conditions:
X-linked Alport syndrome (ATS1). Also called: NEPHROPATHY AND DEAFNESS, X-LINKED; COL4A5-Related Nephropathy. Identifiers: Orphanet 63, Orphanet 88917, MedGen C4746986, MONDO:0010520, OMIM 301050.

gnomAD v4.1: 1 of 1,210,303 alleles (0.000083%); no homozygotes.

Submission:

Natera, Inc.
Classification: Likely pathogenic for X-linked Alport syndrome. Last evaluated: 2025-09-10. Review status: criteria provided, single submitter. Criteria: Natera Variant Classification Schema (03/2026). Collection method: clinical testing. Allele origin: germline.
Comment: The c.4145G>A variant in COL4A5 is a missense variant predicted to cause substitution of glycine to aspartic acid at amino acid 1382. This variant is rare in the general population with a frequency below the threshold expected for the associated phenotype(s). This variant is located in a functionally critical region of the protein. Computational prediction algorithms indicate this variant is likely to affect gene or protein function. Given the available evidence, this variant is classified as Likely Pathogenic.

NM_033380.3(COL4A5):c.4163G>A (p.Gly1388Asp)

Gene: COL4A5 (collagen type IV alpha 5 chain; plus strand). Cytogenetic location: Xq22.3.
Variant type: single nucleotide variant.
Coding change: c.4163G>A on transcript NM_033380.3 (MANE Select); coding-DNA position 4163, G replaced by A.
Protein change: p.Gly1388Asp; replaces glycine 1388 with aspartic acid.
Molecular consequence: missense variant.
Genome position (GRCh38, 1-based): chrX:108,681,835, G>A. VCF-style: chrX-108681835-G-A. GRCh37 (hg19) VCF-style: chrX-107925065-G-A.
Other names: c.4145G>A, p.Gly1382Asp (NM_000495.5); short protein forms G1382D, G1388D.
Identifiers: ClinVar variation 4818587 (VCV004818587.1).
Genomic context (GRCh38, chrX:108,681,835, plus strand): 5'-CTGGTCCTTCAGGACAGAGTATCATAATTAAAGGAGATGCTGGTCCTCCAGGAATCCCTG[G>A]CCAGCCTGGGCTAAAGGGTCTACCAGGACCCCAAGGACCTCAAGGCTTACCAGGTACCAA-3'
Protein context (NP_203699.1, residues 1378-1398): KGDAGPPGIP[Gly1388Asp]QPGLKGLPGP